The following is an entry in ClinVar:

ClinVar aggregate classification (germline): Uncertain significance (1 of 4 stars; one submission).

Submission:

Labcorp Genetics (formerly Invitae), Labcorp
Classification: Uncertain significance. Last evaluated: 2025-10-10. Review status: criteria provided, single submitter. Criteria: Invitae Variant Classification Sherloc (09022015). Collection method: clinical testing. Allele origin: germline.
Comment: This sequence change replaces alanine, which is neutral and non-polar, with valine, which is neutral and non-polar, at codon 943 of the DOCK6 protein (p.Ala943Val). This variant is present in population databases (rs754346655, gnomAD 0.007%). This variant has not been reported in the literature in individuals affected with DOCK6-related conditions. Invitae Evidence Modeling of protein sequence and biophysical properties (such as structural, functional, and spatial information, amino acid conservation, physicochemical variation, residue mobility, and thermodynamic stability) indicates that this missense variant is not expected to disrupt DOCK6 protein function with a negative predictive value of 80%. In summary, the available evidence is currently insufficient to determine the role of this variant in disease. Therefore, it has been classified as a Variant of Uncertain Significance.

NM_020812.4(DOCK6):c.2828C>T (p.Ala943Val)

Gene: DOCK6 (dedicator of cytokinesis 6; minus strand). Cytogenetic location: 19p13.2.
Variant type: single nucleotide variant.
Coding change: c.2828C>T on transcript NM_020812.4 (MANE Select); coding-DNA position 2828, C replaced by T.
Protein change: p.Ala943Val; replaces alanine 943 with valine.
Molecular consequence: missense variant.
Genome position (GRCh38, 1-based): chr19:11,227,464, G>A on the plus strand (C>T on the coding strand, the complement: DOCK6 is on the minus strand). VCF-style: chr19-11227464-G-A. GRCh37 (hg19) VCF-style: chr19-11338140-G-A.
Other names: c.2933C>T, p.Ala978Val (NM_001367830.1); short protein forms A943V, A978V.
Identifiers: ClinVar variation 4739113 (VCV004739113.1).